The following is an entry in ClinVar:

NM_001128205.2(SULF1):c.1373G>A (p.Gly458Glu)

Gene: SULF1 (sulfatase 1; plus strand). Cytogenetic location: 8q13.3.
Variant type: single nucleotide variant.
Coding change: c.1373G>A on transcript NM_001128205.2 (MANE Select); coding-DNA position 1373, G replaced by A.
Protein change: p.Gly458Glu; replaces glycine 458 with glutamic acid.
Molecular consequence: missense variant. On other transcripts: 5 prime UTR variant (1), non-coding transcript variant (7).
Genome position (GRCh38, 1-based): chr8:69,604,928, G>A. VCF-style: chr8-69604928-G-A. GRCh37 (hg19) VCF-style: chr8-70517163-G-A.
Other names: c.1373G>A, p.Gly458Glu (NM_001128204.2, NM_001128206.2, NM_001412828.1 and 10 more transcripts); c.1244G>A, p.Gly415Glu (NM_001412832.1, NM_001412838.1, NM_001412839.1 and 1 more transcripts); c.1316G>A, p.Gly439Glu (NM_001412836.1, NM_001412837.1); c.1187G>A, p.Gly396Glu (NM_001412841.1, NM_001412842.1); c.773G>A, p.Gly258Glu (NM_001412844.1, NM_001412845.1); c.-419G>A (NM_001412846.1); c.1373G>A (NM_001128205.1); short protein forms G258E, G439E, G458E, G415E, G396E.
Identifiers: ClinVar variation 2897081 (VCV002897081.4), dbSNP rs148982651, ClinGen allele CA4775858.

ClinVar aggregate classification (germline): Uncertain significance. Review status: criteria provided, multiple submitters, no conflicts (2 of 4 stars). 2 submissions from 2 submitters: Uncertain significance (2). Last evaluated 2025-10-16.

Allele frequency attached by ClinVar (database versions not stated): gnomAD exomes 0.00001; ESP Exome Variant Server 0.00008; 1000 Genomes Project 30x 0.00016; TOPMed 0.00006; ExAC 0.00003; gnomAD 0.00009; 1000 Genomes Project 0.00020.
gnomAD v4.1: 26 of 1,613,994 alleles (0.0016%); highest among the groups gnomAD compares: African/African-American, 0.032%; no homozygotes.

Submissions (2):

Labcorp Genetics (formerly Invitae), Labcorp
Classification: Uncertain significance. Last evaluated: 2025-10-16. Review status: criteria provided, single submitter. Criteria: Invitae Variant Classification Sherloc (09022015). Collection method: clinical testing. Allele origin: germline.
Comment: This sequence change replaces glycine, which is neutral and non-polar, with glutamic acid, which is acidic and polar, at codon 458 of the SULF1 protein (p.Gly458Glu). This variant is present in population databases (rs148982651, gnomAD 0.03%). This variant has not been reported in the literature in individuals affected with SULF1-related conditions. ClinVar contains an entry for this variant (Variation ID: 2897081). An algorithm developed to predict the effect of missense changes on protein structure and function (PolyPhen-2) suggests that this variant is likely to be disruptive. In summary, the available evidence is currently insufficient to determine the role of this variant in disease. Therefore, it has been classified as a Variant of Uncertain Significance.

Ambry Genetics
Classification: Uncertain significance. Last evaluated: 2025-08-25. Review status: criteria provided, single submitter. Criteria: Ambry Variant Classification Scheme 2023. Collection method: clinical testing. Allele origin: germline.